The following is an entry in ClinVar:

NM_001267550.2(TTN):c.101068C>G (p.Pro33690Ala)

Genes: TTN-AS1 (TTN antisense RNA 1; plus strand), TTN (titin; minus strand). Cytogenetic location: 2q31.2.
Variant type: single nucleotide variant.
Coding change: c.101068C>G on transcript NM_001267550.2 (MANE Select); coding-DNA position 101068, C replaced by G.
Protein change: p.Pro33690Ala; replaces proline 33690 with alanine.
Molecular consequence: missense variant.
Genome position (GRCh38, 1-based): chr2:178,535,547, G>C on the plus strand (C>G on the coding strand, the complement: TTN is on the minus strand). VCF-style: chr2-178535547-G-C. GRCh37 (hg19) VCF-style: chr2-179400274-G-C.
Other names: c.96145C>G, p.Pro32049Ala (NM_001256850.1); c.73873C>G, p.Pro24625Ala (NM_003319.4); c.93364C>G, p.Pro31122Ala (NM_133378.4); c.74248C>G, p.Pro24750Ala (NM_133432.3); c.74449C>G, p.Pro24817Ala (NM_133437.4); short protein forms P24750A, P31122A, P32049A, P24817A, P24625A, P33690A.
Identifiers: ClinVar variation 2942112 (VCV002942112.3), dbSNP rs886055225, ClinGen allele CA349421839.

ClinVar aggregate classification (germline): Uncertain significance (1 of 4 stars; one submission).

Conditions:
Dilated cardiomyopathy 1G (CMD1G). Identifiers: Orphanet 154, MedGen C1858763, MONDO:0011400, OMIM 604145.
Autosomal recessive limb-girdle muscular dystrophy type 2J (LGMDR10). Also called: MUSCULAR DYSTROPHY, LIMB-GIRDLE, AUTOSOMAL RECESSIVE 10; Limb-girdle muscular dystrophy, type 2J. Identifiers: Orphanet 140922, MedGen C1837342, MONDO:0012127, OMIM 608807.

Submission:

Labcorp Genetics (formerly Invitae), Labcorp
Classification: Uncertain significance for Dilated cardiomyopathy 1G; Autosomal recessive limb-girdle muscular dystrophy type 2J. Last evaluated: 2023-12-26. Review status: criteria provided, single submitter. Criteria: Invitae Variant Classification Sherloc (09022015). Collection method: clinical testing. Allele origin: germline.
Comment: This sequence change replaces proline, which is neutral and non-polar, with alanine, which is neutral and non-polar, at codon 33690 of the TTN protein (p.Pro33690Ala). This variant is not present in population databases (gnomAD no frequency). This variant has not been reported in the literature in individuals affected with TTN-related conditions. Experimental studies and prediction algorithms are not available or were not evaluated, and the functional significance of this variant is currently unknown. This variant is located in the M band of TTN (PMID: 25589632). Non-truncating variants in this region may be relevant for neuromuscular disorders, but have not been definitively shown to cause cardiomyopathy (PMID: 23975875). In summary, the available evidence is currently insufficient to determine the role of this variant in disease. Therefore, it has been classified as a Variant of Uncertain Significance.

Literature cited by the submitters: PubMed 25589632; PubMed 23975875.